The following is an entry in ClinVar:

ClinVar aggregate classification (germline): Uncertain significance (1 of 4 stars; one submission).

Conditions:
Cardiovascular phenotype. Identifiers: MedGen CN230736.

Submission:

Ambry Genetics
Classification: Uncertain significance for Cardiovascular phenotype. Last evaluated: 2016-06-28. Review status: criteria provided, single submitter. Criteria: Ambry Variant Classification Scheme 2023. Collection method: clinical testing. Allele origin: germline.
Comment: The c.718_719delCGinsGA variant (also known as p.R240D), located in coding exon 9 of the TMEM43 gene, results from an in-frame deletion of CG and insertion of GA between nucleotide positions 718 and 719. This results in the substitution of the arginine residue for an aspartic acid residue at codon 240, an amino acid with similar properties. This variant was not reported in population based cohorts in the following databases: Database of Single Nucleotide Polymorphisms (dbSNP),NHLBI Exome Sequencing Project (ESP), and 1000 Genomes Project. In the ESP, this variant was not observed in 6503 samples (13006 alleles) with coverage at this position. Based on data from ExAC, both the c.718C>G and c.719G>A variants have been observed at an overall frequency of <0.01% (3/119786 and 4/119816, respectively). This amino acid position is highly conserved in available vertebrate species. Since supporting evidence is limited at this time, the clinical significance of this variant remains unclear.

NM_024334.3(TMEM43):c.718_719delinsGA (p.Arg240Asp)

Gene: TMEM43 (transmembrane protein 43; plus strand). Cytogenetic location: 3p25.1.
Variant type: Indel.
Coding change: c.718_719delinsGA on transcript NM_024334.3 (MANE Select); coding-DNA positions 718 to 719, CG replaced by GA.
Protein change: p.Arg240Asp; replaces arginine 240 with aspartic acid.
Molecular consequence: missense variant.
Genome position (GRCh38, 1-based): chr3:14,135,170-14,135,171, CG replaced by GA. VCF-style: chr3-14135170-CG-GA. GRCh37 (hg19) VCF-style: chr3-14176670-CG-GA.
Other names: c.718_719delCGinsGA (NM_024334.2); short protein forms R240D.
Identifiers: ClinVar variation 518793 (VCV000518793.5), dbSNP rs1553603172, ClinGen allele CA658796247.